The following is an entry in ClinVar:

NM_003126.4(SPTA1):c.3026_3027delinsGA (p.Ser1009Ter)

Gene: SPTA1 (spectrin alpha, erythrocytic 1; minus strand). Cytogenetic location: 1q23.1.
Variant type: Indel.
Coding change: c.3026_3027delinsGA on transcript NM_003126.4 (MANE Select); coding-DNA positions 3026 to 3027, CC replaced by GA.
Protein change: p.Ser1009Ter; replaces serine 1009 with a stop codon.
Molecular consequence: nonsense.
Genome position (GRCh38, 1-based): chr1:158,654,620-158,654,621, GG replaced by TC on the plus strand (CC replaced by GA on the coding strand, the reverse complement: SPTA1 is on the minus strand). VCF-style: chr1-158654620-GG-TC. GRCh37 (hg19) VCF-style: chr1-158624410-GG-TC.
Other names: short protein forms S1009*.
Identifiers: ClinVar variation 1162869 (VCV001162869.5), dbSNP rs2101868872, ClinGen allele CA2499214249.
Genomic context (GRCh38, chr1:158,654,620, plus strand): 5'-ATGGTTCTGAAAGAGCCACTTTTTGATGGAAAGATTAGAAGGAAAAGTCACCTTATTGAT[GG>TC]AACTGAGCAGCGTTAAGACATCACCTTTCTTCATGGTGACTTCTCGGGGGCTGCGGGCCT-3'

ClinVar aggregate classification (germline): Likely pathogenic (1 of 4 stars; one submission).

Submission:

Mayo Clinic Laboratories, Mayo Clinic
Classification: Likely pathogenic. Last evaluated: 2020-07-28. Review status: criteria provided, single submitter. Criteria: ACMG Guidelines, 2015. Collection method: clinical testing. Allele origin: germline. Observed: 1 variant allele.
Comment: PVS1, PM2

Literature cited by the submitters: PubMed 31723846.